The following is an entry in ClinVar:

NM_000156.6(GAMT):c.65del (p.Ala22fs)

Genes: GAMT (guanidinoacetate N-methyltransferase; minus strand), LOC130062945 (ATAC-STARR-seq lymphoblastoid silent region 9707; plus strand). Cytogenetic location: 19p13.3.
Variant type: Deletion.
Coding change: c.65del on transcript NM_000156.6 (MANE Select); coding-DNA position 65, one base deleted (C; older notation c.65delC).
Protein change: p.Ala22fs; shifts the reading frame from alanine 22.
Molecular consequence: frameshift variant.
Genome position (GRCh38, 1-based): chr19:1,401,412, G deleted on the plus strand (C on the coding strand, the reverse complement: GAMT is on the minus strand). VCF-style (leftmost placement, unchanged base first): chr19-1401411-CG-C. GRCh37 (hg19) VCF-style: chr19-1401410-CG-C.
Other names: c.65del, p.Ala22fs (NM_138924.3); short protein forms A22fs.
Identifiers: ClinVar variation 1998188 (VCV001998188.4), dbSNP rs2512229116, ClinGen allele CA2580096101.
Genomic context (GRCh38, chr19:1,401,411, plus strand): 5'-CATCACCGGCTTGCCCAGGATGCGCAGGTGCGTGTCCGCTGCGTCGTAGGCCGCGGGCGC[CG>C]CCCCCCACGCGGGGCTGCAGTTCTCGCCGGGCGCGAAGATGGGGGTCGCGCTGGGGGCGC-3'

ClinVar aggregate classification (germline): Pathogenic (1 of 4 stars; one submission).

Conditions:
Cerebral creatine deficiency syndrome. Also called: Creatine deficiency syndromes. Identifiers: Orphanet 79172, MedGen C5244016, MONDO:0000456.

Submission:

Labcorp Genetics (formerly Invitae), Labcorp
Classification: Pathogenic for Cerebral creatine deficiency syndrome. Last evaluated: 2022-09-06. Review status: criteria provided, single submitter. Criteria: Invitae Variant Classification Sherloc (09022015). Collection method: clinical testing. Allele origin: germline.
Comment: This sequence change creates a premature translational stop signal (p.Ala22Glyfs*20) in the GAMT gene. It is expected to result in an absent or disrupted protein product. Loss-of-function variants in GAMT are known to be pathogenic (PMID: 15108290). This variant is not present in population databases (gnomAD no frequency). This variant has not been reported in the literature in individuals affected with GAMT-related conditions. For these reasons, this variant has been classified as Pathogenic.

Literature cited by the submitters: PubMed 15108290.